The following is an entry in ClinVar:

ClinVar aggregate classification (germline): Pathogenic (1 of 4 stars; one submission).

Conditions:
Glycine encephalopathy. Also called: Nonketotic hyperglycinemia; Non-ketotic hyperglycinemia. Identifiers: Orphanet 407, MedGen C0751748, MONDO:0011612, HP:0008288.

Submission:

Labcorp Genetics (formerly Invitae), Labcorp
Classification: Pathogenic for Glycine encephalopathy. Last evaluated: 2025-01-06. Review status: criteria provided, single submitter. Criteria: Invitae Variant Classification Sherloc (09022015). Collection method: clinical testing. Allele origin: germline.
Comment: This sequence change creates a premature translational stop signal (p.Arg103Aspfs*3) in the GLDC gene. It is expected to result in an absent or disrupted protein product. Loss-of-function variants in GLDC are known to be pathogenic (PMID: 16601880). This variant is not present in population databases (gnomAD no frequency). This variant has not been reported in the literature in individuals affected with GLDC-related conditions. For these reasons, this variant has been classified as Pathogenic.

Literature cited by the submitters: PubMed 16601880.

NM_000170.3(GLDC):c.307del (p.Arg103fs)

Gene: GLDC (glycine decarboxylase; minus strand). Cytogenetic location: 9p24.1.
Variant type: Deletion.
Coding change: c.307del on transcript NM_000170.3 (MANE Select); coding-DNA position 307, one base deleted (A; older notation c.307delA).
Protein change: p.Arg103fs; shifts the reading frame from arginine 103.
Molecular consequence: frameshift variant.
Genome position (GRCh38, 1-based): chr9:6,644,641, T deleted on the plus strand (A on the coding strand, the reverse complement: GLDC is on the minus strand); the first of 4 consecutive T bases (chr9:6,644,641-6,644,644); deleting any one gives the same sequence. VCF-style (leftmost placement, unchanged base first): chr9-6644640-CT-C. GRCh37 (hg19) VCF-style: chr9-6644640-CT-C.
Other names: short protein forms R103fs.
Identifiers: ClinVar variation 3640500 (VCV003640500.2).